The following is an entry in ClinVar:

NM_001378120.1(MBD5):c.1372C>A (p.Gln458Lys)

Gene: MBD5 (methyl-CpG binding domain protein 5; plus strand). Cytogenetic location: 2q23.1.
Variant type: single nucleotide variant.
Coding change: c.1372C>A on transcript NM_001378120.1 (MANE Select); coding-DNA position 1372, C replaced by A.
Protein change: p.Gln458Lys; replaces glutamine 458 with lysine.
Molecular consequence: missense variant.
Genome position (GRCh38, 1-based): chr2:148,469,315, C>A. VCF-style: chr2-148469315-C-A. GRCh37 (hg19) VCF-style: chr2-149226884-C-A.
Other names: c.1372C>A, p.Gln458Lys (NM_018328.5); short protein forms Q458K.
Identifiers: ClinVar variation 649998 (VCV000649998.10), dbSNP rs990365646, ClinGen allele CA57578224.

ClinVar aggregate classification (germline): Uncertain significance. Review status: criteria provided, multiple submitters, no conflicts (2 of 4 stars). 2 submissions from 2 submitters: Uncertain significance (2). Last evaluated 2022-03-16.

Conditions:
Intellectual developmental disorder, autosomal dominant 1. Also called: Intellectual disability, autosomal dominant 1; MBD5 Haploinsufficiency. Identifiers: Orphanet 228402, MedGen C1969562, MONDO:0007974, OMIM 156200.

Allele frequency attached by ClinVar (database versions not stated): TOPMed below 0.00001; gnomAD 0.00001.
gnomAD v4.1: 1 of 1,613,686 alleles (0.000062%); highest among the groups gnomAD compares: African/African-American, 0.0013%; no homozygotes.

Submissions (2):

Fulgent Genetics
Classification: Uncertain significance for Intellectual developmental disorder, autosomal dominant 1. Last evaluated: 2022-03-16. Review status: criteria provided, single submitter. Criteria: ACMG Guidelines, 2015. Collection method: clinical testing. Allele origin: unknown.

Labcorp Genetics (formerly Invitae), Labcorp
Classification: Uncertain significance for Intellectual developmental disorder, autosomal dominant 1. Last evaluated: 2018-08-05. Review status: criteria provided, single submitter. Criteria: Invitae Variant Classification Sherloc (09022015). Collection method: clinical testing. Allele origin: germline.
Comment: This variant is not present in population databases (ExAC no frequency). This variant has not been reported in the literature in individuals with MBD5-related disease. This sequence change replaces glutamine with lysine at codon 458 of the MBD5 protein (p.Gln458Lys). The glutamine residue is highly conserved and there is a small physicochemical difference between glutamine and lysine. In summary, the available evidence is currently insufficient to determine the role of this variant in disease. Therefore, it has been classified as a Variant of Uncertain Significance. Algorithms developed to predict the effect of missense changes on protein structure and function are either unavailable or do not agree on the potential impact of this missense change (SIFT: "Deleterious"; PolyPhen-2: "Benign"; Align-GVGD: "Class C45").